The following is an entry in ClinVar:

ClinVar aggregate classification (germline): Uncertain significance. Review status: criteria provided, multiple submitters, no conflicts (2 of 4 stars). 5 submissions from 3 submitters: Uncertain significance (5). Last evaluated 2022-08-31.

Conditions:
Amyotrophic lateral sclerosis type 5 (ALS5). Also called: AMYOTROPHIC LATERAL SCLEROSIS 5, JUVENILE. Identifiers: Orphanet 300605, MedGen C1865864, MONDO:0011196, OMIM 602099.
Hereditary spastic paraplegia 11. Also called: Nakamura Osame syndrome; Autosomal recessive hereditary spastic paraplegia, mental impairment, and thin corpus callosum; Spastic Paraplegia 11; Spastic paraplegia, mental retardation and thin corpus callosum; SPASTIC PARAPLEGIA, AUTOSOMAL RECESSIVE, COMPLICATED, WITH THIN CORPUS CALLOSUM; SPASTIC PARAPLEGIA, AUTOSOMAL RECESSIVE, WITH MENTAL IMPAIRMENT AND THIN CORPUS CALLOSUM. Identifiers: Orphanet 2822, MedGen C1858479, MONDO:0011445, OMIM 604360.
Charcot-Marie-Tooth disease axonal type 2X. Also called: CHARCOT-MARIE-TOOTH DISEASE, AXONAL, AUTOSOMAL RECESSIVE, TYPE 2X; CHARCOT-MARIE-TOOTH NEUROPATHY, TYPE 2X. Identifiers: Orphanet 466775, MedGen C5569024, MONDO:0014726, OMIM 616668.

Submissions (5):

Labcorp Genetics (formerly Invitae), Labcorp
Classification: Uncertain significance for Hereditary spastic paraplegia 11. Last evaluated: 2022-08-31. Review status: criteria provided, single submitter. Criteria: Invitae Variant Classification Sherloc (09022015). Collection method: clinical testing. Allele origin: germline.
Comment: Variants that disrupt the consensus splice site are a relatively common cause of aberrant splicing (PMID: 17576681, 9536098). Algorithms developed to predict the effect of sequence changes on RNA splicing suggest that this variant may disrupt the consensus splice site. In summary, the available evidence is currently insufficient to determine the role of this variant in disease. Therefore, it has been classified as a Variant of Uncertain Significance. ClinVar contains an entry for this variant (Variation ID: 1301785). This variant has not been reported in the literature in individuals affected with SPG11-related conditions. This variant is not present in population databases (gnomAD no frequency). This sequence change falls in intron 8 of the SPG11 gene. It does not directly change the encoded amino acid sequence of the SPG11 protein. It affects a nucleotide within the consensus splice site.

Dubai Health Genomic Medicine Center, Dubai Health
Classification: Uncertain significance for Hereditary spastic paraplegia 11. Last evaluated: 2021-03-11. Review status: criteria provided, single submitter. Criteria: ACMG Guidelines, 2015. Collection method: clinical testing. Allele origin: germline. Affected: yes.

Genome-Nilou Lab
Classification: Uncertain significance for Amyotrophic lateral sclerosis type 5. Review status: criteria provided, single submitter. Criteria: ACMG Guidelines, 2015. Collection method: clinical testing. Allele origin: germline.

Genome-Nilou Lab
Classification: Uncertain significance for Charcot-Marie-Tooth disease axonal type 2X. Review status: criteria provided, single submitter. Criteria: ACMG Guidelines, 2015. Collection method: clinical testing. Allele origin: germline.

Genome-Nilou Lab
Classification: Uncertain significance for Hereditary spastic paraplegia 11. Review status: criteria provided, single submitter. Criteria: ACMG Guidelines, 2015. Collection method: clinical testing. Allele origin: germline.

Literature cited by the submitters: PubMed 17576681 (cited by Labcorp Genetics (formerly Invitae), Labcorp); PubMed 9536098 (cited by Labcorp Genetics (formerly Invitae), Labcorp).

NM_025137.4(SPG11):c.1735+4A>G

Gene: SPG11 (SPG11 vesicle trafficking associated, spatacsin; minus strand). Cytogenetic location: 15q21.1.
Variant type: single nucleotide variant.
Coding change: c.1735+4A>G on transcript NM_025137.4 (MANE Select); 4 bases into the intron after coding-DNA position 1735, A replaced by G.
Molecular consequence: intron variant.
Genome position (GRCh38, 1-based): chr15:44,633,501, T>C on the plus strand (A>G on the coding strand, the complement: SPG11 is on the minus strand). VCF-style: chr15-44633501-T-C. GRCh37 (hg19) VCF-style: chr15-44925699-T-C.
Other names: c.1735+4A>G (NM_001160227.2).
Identifiers: ClinVar variation 1301785 (VCV001301785.9), dbSNP rs2141056546, ClinGen allele CA2573054015.